The following is an entry in ClinVar:

NM_001365276.2(TNXB):c.7102A>G (p.Lys2368Glu)

Gene: TNXB (tenascin XB; minus strand). Cytogenetic location: 6p21.33.
Variant type: single nucleotide variant.
Coding change: c.7102A>G on transcript NM_001365276.2 (MANE Select); coding-DNA position 7102, A replaced by G.
Protein change: p.Lys2368Glu; replaces lysine 2368 with glutamic acid.
Molecular consequence: missense variant.
Genome position (GRCh38, 1-based): chr6:32,062,223, T>C on the plus strand (A>G on the coding strand, the complement: TNXB is on the minus strand). VCF-style: chr6-32062223-T-C. GRCh37 (hg19) VCF-style: chr6-32030000-T-C.
Other names: c.7102A>G, p.Lys2368Glu (NM_019105.8); short protein forms K2368E.
Identifiers: ClinVar variation 1757192 (VCV001757192.2), dbSNP rs754432391, ClinGen allele CA3734259.

ClinVar aggregate classification (germline): Uncertain significance (1 of 4 stars; one submission).

Conditions:
Cardiovascular phenotype. Identifiers: MedGen CN230736.

Allele frequency attached by ClinVar (database versions not stated): gnomAD exomes below 0.00001; TOPMed below 0.00001; ExAC 0.00001; gnomAD 0.00001.
gnomAD v4.1: 2 of 1,613,114 alleles (0.00012%); highest among the groups gnomAD compares: Admixed American, 0.0017%; no homozygotes.

Submission:

Ambry Genetics
Classification: Uncertain significance for Cardiovascular phenotype. Last evaluated: 2022-07-11. Review status: criteria provided, single submitter. Criteria: Ambry Variant Classification Scheme 2023. Collection method: clinical testing. Allele origin: germline.
Comment: The p.K2368E variant (also known as c.7102A>G), located in coding exon 19 of the TNXB gene, results from an A to G substitution at nucleotide position 7102. The lysine at codon 2368 is replaced by glutamic acid, an amino acid with similar properties. This amino acid position is conserved. In addition, this alteration is predicted to be tolerated by in silico analysis. Since supporting evidence is limited at this time, the clinical significance of this alteration remains unclear.